The following is an entry in ClinVar:

ClinVar aggregate classification (germline): Uncertain significance. Review status: criteria provided, multiple submitters, no conflicts (2 of 4 stars). 3 submissions from 3 submitters: Uncertain significance (3). Last evaluated 2024-11-11.

Conditions:
Hereditary cancer-predisposing syndrome. Also called: Neoplastic Syndromes, Hereditary; Hereditary neoplastic syndrome; Tumor predisposition; Hereditary Cancer Syndrome. Identifiers: Orphanet 140162, MedGen C0027672, MeSH D009386, MONDO:0015356.
Oligodontia-cancer predisposition syndrome. Also called: TOOTH AGENESIS-COLORECTAL CANCER SYNDROME. Identifiers: Orphanet 300576, MedGen C1837750, MONDO:0012075, OMIM 608615. Disease mechanism: loss of function.

Allele frequency attached by ClinVar (database versions not stated): TOPMed 0.00001.

Submissions (3):

Labcorp Genetics (formerly Invitae), Labcorp
Classification: Uncertain significance for Oligodontia-cancer predisposition syndrome. Last evaluated: 2024-11-11. Review status: criteria provided, single submitter. Criteria: Invitae Variant Classification Sherloc (09022015). Collection method: clinical testing. Allele origin: germline.
Comment: This sequence change replaces proline, which is neutral and non-polar, with serine, which is neutral and polar, at codon 422 of the AXIN2 protein (p.Pro422Ser). The frequency data for this variant in the population databases is considered unreliable, as metrics indicate poor data quality at this position in the gnomAD database. This variant has not been reported in the literature in individuals affected with AXIN2-related conditions. ClinVar contains an entry for this variant (Variation ID: 239979). Invitae Evidence Modeling of protein sequence and biophysical properties (such as structural, functional, and spatial information, amino acid conservation, physicochemical variation, residue mobility, and thermodynamic stability) indicates that this missense variant is not expected to disrupt AXIN2 protein function with a negative predictive value of 80%. In summary, the available evidence is currently insufficient to determine the role of this variant in disease. Therefore, it has been classified as a Variant of Uncertain Significance.

Ambry Genetics
Classification: Uncertain significance for Hereditary cancer-predisposing syndrome. Last evaluated: 2024-10-26. Review status: criteria provided, single submitter. Criteria: Ambry Variant Classification Scheme 2023. Collection method: clinical testing. Allele origin: germline.
Comment: The p.P422S variant (also known as c.1264C>T), located in coding exon 5 of the AXIN2 gene, results from a C to T substitution at nucleotide position 1264. The proline at codon 422 is replaced by serine, an amino acid with similar properties. This amino acid position is well conserved in available vertebrate species. In addition, this alteration is predicted to be tolerated by in silico analysis. Since supporting evidence is limited at this time, the clinical significance of this alteration remains unclear.

Quest Diagnostics Nichols Institute San Juan Capistrano
Classification: Uncertain significance. Last evaluated: 2024-07-29. Review status: criteria provided, single submitter. Criteria: Quest Diagnostics criteria. Collection method: clinical testing. Allele origin: unknown.
Comment: The AXIN2 c.1264C>T (p.Pro422Ser) variant has not been reported as a germline variant in individuals with AXIN2-related conditions in the published literature. The frequency of this variant in the general population, 0.00001 (2/200134 chromosomes (Genome Aggregation Database)), is uninformative in the assessment of its pathogenicity. Analysis of this variant using bioinformatics tools for the prediction of the effect of amino acid changes on protein structure and function yielded predictions that this variant is benign. Based on the available information, we are unable to determine the clinical significance of this variant.

Literature cited by the submitters: PubMed 37891325 (cited by Quest Diagnostics Nichols Institute San Juan Capistrano).

NM_004655.4(AXIN2):c.1264C>T (p.Pro422Ser)

Gene: AXIN2 (axin 2; minus strand). Cytogenetic location: 17q24.1.
Variant type: single nucleotide variant.
Coding change: c.1264C>T on transcript NM_004655.4 (MANE Select); coding-DNA position 1264, C replaced by T.
Protein change: p.Pro422Ser; replaces proline 422 with serine.
Molecular consequence: missense variant.
Genome position (GRCh38, 1-based): chr17:65,537,772, G>A on the plus strand (C>T on the coding strand, the complement: AXIN2 is on the minus strand). VCF-style: chr17-65537772-G-A. GRCh37 (hg19) VCF-style: chr17-63533890-G-A.
Other names: c.1264C>T (LRG_296t1); c.1264C>T, p.Pro422Ser (NM_001363813.1); short protein forms P422S.
Identifiers: ClinVar variation 239979 (VCV000239979.15), dbSNP rs878854718, ClinGen allele CA10583652.